The following is an entry in ClinVar:

NM_007055.4(POLR3A):c.2671C>T (p.Arg891Ter)

Gene: POLR3A (RNA polymerase III subunit A; minus strand). Cytogenetic location: 10q22.3.
Variant type: single nucleotide variant.
Coding change: c.2671C>T on transcript NM_007055.4 (MANE Select); coding-DNA position 2671, C replaced by T.
Protein change: p.Arg891Ter; replaces arginine 891 with a stop codon.
Molecular consequence: nonsense.
Genome position (GRCh38, 1-based): chr10:77,993,313, G>A on the plus strand (C>T on the coding strand, the complement: POLR3A is on the minus strand). VCF-style: chr10-77993313-G-A. GRCh37 (hg19) VCF-style: chr10-79753071-G-A.
Other names: short protein forms R891*.
Identifiers: ClinVar variation 2136897 (VCV002136897.5), dbSNP rs1439465660, ClinGen allele CA377334462.

ClinVar aggregate classification (germline): Pathogenic. Review status: criteria provided, multiple submitters, no conflicts (2 of 4 stars). 2 submissions from 2 submitters: Pathogenic (2). Last evaluated 2026-02-01.

Conditions:
Neonatal pseudo-hydrocephalic progeroid syndrome. Also called: Wiedemann-Rautenstrauch syndrome. Identifiers: Orphanet 3455, MedGen C0406586, MONDO:0009910, OMIM 264090.

Allele frequency attached by ClinVar (database versions not stated): gnomAD exomes 0.00001; TOPMed below 0.00001.
gnomAD v4.1: 7 of 1,612,812 alleles (0.00043%); highest among the groups gnomAD compares: South Asian, 0.0022%; no homozygotes.

Submissions (2):

Labcorp Genetics (formerly Invitae), Labcorp
Classification: Pathogenic. Last evaluated: 2026-02-01. Review status: criteria provided, single submitter. Criteria: Invitae Variant Classification Sherloc (09022015). Collection method: clinical testing. Allele origin: germline.
Comment: This sequence change creates a premature translational stop signal (p.Arg891*) in the POLR3A gene. It is expected to result in an absent or disrupted protein product. Loss-of-function variants in POLR3A are known to be pathogenic (PMID: 21855841, 25339210, 27612211, 30414627, 30450527). This variant is not present in population databases (gnomAD no frequency). This premature translational stop signal has been observed in individual(s) with clinical features of leukodystrophy (PMID: 28976722, 31932101). ClinVar contains an entry for this variant (Variation ID: 2136897). For these reasons, this variant has been classified as Pathogenic.

3billion
Classification: Pathogenic for Neonatal pseudo-hydrocephalic progeroid syndrome. Last evaluated: 2025-12-10. Review status: criteria provided, single submitter. Criteria: ACMG Guidelines, 2015. Collection method: clinical testing. Allele origin: germline. Affected: yes.
Comment: The variant is observed at an extremely low frequency in the gnomAD v4.1.0 dataset (total allele frequency: <0.001%). Predicted Consequence/Location: Stop-gained (nonsense): predicted to result in a loss or disruption of normal protein function through nonsense-mediated decay (NMD) or protein truncation. Multiple pathogenic variants are reported downstream of the variant. The variant has been reported to be associated with POLR3A-related disorder (ClinVar ID: VCV002136897). Therefore, this variant is classified as Pathogenic according to the recommendation of ACMG/AMP guideline.

Literature cited by the submitters: PubMed 21855841 (cited by Labcorp Genetics (formerly Invitae), Labcorp); PubMed 25339210 (cited by Labcorp Genetics (formerly Invitae), Labcorp); PubMed 27612211 (cited by Labcorp Genetics (formerly Invitae), Labcorp); PubMed 30414627 (cited by Labcorp Genetics (formerly Invitae), Labcorp); PubMed 30450527 (cited by Labcorp Genetics (formerly Invitae), Labcorp); PubMed 28976722 (cited by Labcorp Genetics (formerly Invitae), Labcorp); PubMed 31932101 (cited by Labcorp Genetics (formerly Invitae), Labcorp).